The following is an entry in ClinVar:

NM_000059.4(BRCA2):c.1594_1595del (p.Glu532fs)

Gene: BRCA2 (BRCA2 DNA repair associated; plus strand). Cytogenetic location: 13q13.1.
Variant type: Deletion.
Coding change: c.1594_1595del on transcript NM_000059.4 (MANE Select); coding-DNA positions 1594 to 1595, 2 bases deleted (GA; older notation c.1594_1595delGA).
Protein change: p.Glu532fs; shifts the reading frame from glutamic acid 532.
Molecular consequence: frameshift variant.
Genome position (GRCh38, 1-based): chr13:32,333,072-32,333,073, GA deleted; deleting any 2 consecutive bases within chr13:32,333,071-32,333,073 gives the same sequence; the c. name uses the placement nearest the transcript's 3' end. VCF-style (leftmost placement, unchanged base first): chr13-32333070-AAG-A. GRCh37 (hg19) VCF-style: chr13-32907207-AAG-A.
Other names: 1822_1823delGA; short protein forms E532fs.
Identifiers: ClinVar variation 266647 (VCV000266647.5), dbSNP rs886040377, ClinGen allele CA10589106.

ClinVar aggregate classification (germline): Pathogenic. Review status: reviewed by expert panel (3 of 4 stars). 2 submissions from 2 submitters: Pathogenic (1). 1 of the submissions does not count toward it. Last evaluated 2016-10-18.

Conditions:
Breast-ovarian cancer, familial, susceptibility to, 2 (BROVCA2). Also called: BRCA2 Hereditary Breast and Ovarian Cancer. Identifiers: Orphanet 145, MedGen C2675520, MONDO:0012933, OMIM 612555. Disease mechanism: loss of function.

Submissions (2):

Evidence-based Network for the Interpretation of Germline Mutant Alleles (ENIGMA)
Classification: Pathogenic for Breast-ovarian cancer, familial, susceptibility to, 2. Last evaluated: 2016-10-18. Review status: reviewed by expert panel. Criteria: ENIGMA BRCA1/2 Classification Criteria (2015). Collection method: curation. Allele origin: germline.
Comment: Variant allele predicted to encode a truncated non-functional protein.

Consortium of Investigators of Modifiers of BRCA1/2 (CIMBA), c/o University of Cambridge
Classification: Pathogenic for Breast-ovarian cancer, familial, susceptibility to, 2. Last evaluated: 2015-10-02. Review status: criteria provided, single submitter. Criteria: CIMBA Mutation Classification guidelines May 2016. Collection method: clinical testing. Allele origin: germline. Not counted in ClinVar's aggregate classification.